The following is an entry in ClinVar:

ClinVar aggregate classification (germline): Likely benign. Review status: criteria provided, multiple submitters, no conflicts (2 of 4 stars). 6 submissions from 6 submitters: Likely benign (6). Last evaluated 2026-03-02.

Conditions:
Cardiac arrhythmia. Also called: Cardiac rhythm disease; Arrhythmia. Identifiers: MedGen C0003811, MONDO:0007263, HP:0011675.
Long QT syndrome (LQTS). Identifiers: MedGen C0023976, MeSH D008133, MONDO:0002442. Disease mechanism: loss of function. Inheritance: Various modes of inheritance.
Cardiovascular phenotype. Identifiers: MedGen CN230736.

gnomAD v4.1: 7 of 1,614,058 alleles (0.00043%); highest among the groups gnomAD compares: Non-Finnish European, 0.00059%; no homozygotes.

Submissions (6):

Women's Health and Genetics/Laboratory Corporation of America, LabCorp
Classification: Likely benign. Last evaluated: 2026-03-02. Review status: criteria provided, single submitter. Criteria: LabCorp Variant Classification Summary - May 2015. Collection method: clinical testing. Allele origin: germline.

Ambry Genetics
Classification: Likely benign for Cardiovascular phenotype. Last evaluated: 2025-06-15. Review status: criteria provided, single submitter. Criteria: Ambry Variant Classification Scheme 2023. Collection method: clinical testing. Allele origin: germline.

Labcorp Genetics (formerly Invitae), Labcorp
Classification: Likely benign for Long QT syndrome. Last evaluated: 2024-04-15. Review status: criteria provided, single submitter. Criteria: Invitae Variant Classification Sherloc (09022015). Collection method: clinical testing. Allele origin: germline.

All of Us Research Program, National Institutes of Health
Classification: Likely benign for Long QT syndrome. Last evaluated: 2023-12-01. Review status: criteria provided, single submitter. Criteria: ACMG Guidelines, 2015. Collection method: clinical testing. Allele origin: germline. Inheritance: Autosomal dominant inheritance. Observed: 4 variant alleles, 4 heterozygotes.
Comment: This study involves interpretation of variants in research participants for the purpose of population health screening. Participant phenotype was not available at the time of variant classification. Additional details can be found in publication PMID: 35346344, PMCID: PMC8962531

Blueprint Genetics
Classification: Likely benign. Last evaluated: 2023-08-01. Review status: criteria provided, single submitter. Criteria: ACMG Guidelines, 2015. Collection method: clinical testing. Allele origin: germline.

Color Diagnostics, LLC DBA Color Health
Classification: Likely benign for Arrhythmia. Last evaluated: 2019-10-14. Review status: criteria provided, single submitter. Criteria: ACMG Guidelines, 2015. Collection method: clinical testing. Allele origin: germline.

NM_000238.4(KCNH2):c.2454G>C (p.Ser818=)

Gene: KCNH2 (potassium voltage-gated channel subfamily H member 2; minus strand). Cytogenetic location: 7q36.1.
Variant type: single nucleotide variant.
Coding change: c.2454G>C on transcript NM_000238.4 (MANE Select); coding-DNA position 2454, G replaced by C.
Protein change: p.Ser818=; no amino-acid change (serine 818 retained).
Molecular consequence: synonymous variant.
Genome position (GRCh38, 1-based): chr7:150,948,994, C>G on the plus strand (G>C on the coding strand, the complement: KCNH2 is on the minus strand). VCF-style: chr7-150948994-C-G. GRCh37 (hg19) VCF-style: chr7-150646082-C-G.
Other names: c.1434G>C, p.Ser478= (NM_172057.3).
Identifiers: ClinVar variation 923243 (VCV000923243.11), dbSNP rs72549418, ClinGen allele CA032829.
Genomic context (GRCh38, chr7:150,948,994, plus strand): 5'-CAGGTCGTCCCGATGGATCTTGTGTAGGTCACAGTAGGTGAGGGCCCGCACATCCCCGTT[C>G]GACTTGCCAGGCCTTGCATACAGGTTCAGAGGCTCCCCAAAGATGTCATTCTTCCCTGGA-3'
Protein context (NP_000229.1, residues 808-828): PLNLYARPGK[Ser818=]NGDVRALTYC